The following is an entry in ClinVar:

NM_020937.4(FANCM):c.1462A>G (p.Ser488Gly)

Gene: FANCM (FA complementation group M; plus strand). Cytogenetic location: 14q21.2.
Variant type: single nucleotide variant.
Coding change: c.1462A>G on transcript NM_020937.4 (MANE Select); coding-DNA position 1462, A replaced by G.
Protein change: p.Ser488Gly; replaces serine 488 with glycine.
Molecular consequence: missense variant.
Genome position (GRCh38, 1-based): chr14:45,159,161, A>G. VCF-style: chr14-45159161-A-G. GRCh37 (hg19) VCF-style: chr14-45628364-A-G.
Other names: c.1384A>G, p.Ser462Gly (NM_001308133.2); c.1462A>G, p.Ser488Gly (NM_001308134.2); short protein forms S462G, S488G.
Identifiers: ClinVar variation 955121 (VCV000955121.13), dbSNP rs374988842, ClinGen allele CA7169057.

ClinVar aggregate classification (germline): Uncertain significance. Review status: criteria provided, multiple submitters, no conflicts (2 of 4 stars). 2 submissions from 2 submitters: Uncertain significance (2). Last evaluated 2023-09-17.

Conditions:
Fanconi anemia (FA). Also called: Fanconi's anemia. Identifiers: Orphanet 84, MedGen C0015625, MeSH D005199, MONDO:0019391.

Allele frequency attached by ClinVar (database versions not stated): gnomAD 0.00001; ExAC 0.00003; gnomAD exomes 0.00003 and 0.00004; TOPMed 0.00004; ESP Exome Variant Server 0.00008.

Submissions (2):

GeneDx
Classification: Uncertain significance. Last evaluated: 2023-09-17. Review status: criteria provided, single submitter. Criteria: GeneDx Variant Classification Process June 2021. Collection method: clinical testing. Allele origin: germline. Affected: yes.
Comment: Not observed at significant frequency in large population cohorts (gnomAD); In silico analysis supports that this missense variant has a deleterious effect on protein structure/function; Not observed in any ovarian or colorectal cancer cases, but was observed in unaffected controls (Broderick et al., 2017; Dicks et al., 2017); This variant is associated with the following publications: (PMID: 28881617, 27713038)

Labcorp Genetics (formerly Invitae), Labcorp
Classification: Uncertain significance for Fanconi anemia. Last evaluated: 2021-08-26. Review status: criteria provided, single submitter. Criteria: Invitae Variant Classification Sherloc (09022015). Collection method: clinical testing. Allele origin: germline.
Comment: This sequence change replaces serine with glycine at codon 488 of the FANCM protein (p.Ser488Gly). The serine residue is highly conserved and there is a small physicochemical difference between serine and glycine. This variant is present in population databases (rs374988842, ExAC 0.005%). This variant has not been reported in the literature in individuals affected with FANCM-related conditions. Algorithms developed to predict the effect of missense changes on protein structure and function are either unavailable or do not agree on the potential impact of this missense change (SIFT: "Deleterious"; PolyPhen-2: "Possibly Damaging"; Align-GVGD: "Class C0"). In summary, the available evidence is currently insufficient to determine the role of this variant in disease. Therefore, it has been classified as a Variant of Uncertain Significance.